The following is an entry in ClinVar:

ClinVar aggregate classification (germline): Uncertain significance (1 of 4 stars; one submission).

Allele frequency attached by ClinVar (database versions not stated): gnomAD exomes below 0.00001.
gnomAD v4.1: 2 of 1,612,010 alleles (0.00012%); highest among the groups gnomAD compares: African/African-American, 0.0027%; no homozygotes.

Submission:

Labcorp Genetics (formerly Invitae), Labcorp
Classification: Uncertain significance. Last evaluated: 2022-01-13. Review status: criteria provided, single submitter. Criteria: Invitae Variant Classification Sherloc (09022015). Collection method: clinical testing. Allele origin: germline.
Comment: Algorithms developed to predict the effect of missense changes on protein structure and function (SIFT, PolyPhen-2, Align-GVGD) all suggest that this variant is likely to be tolerated. In summary, the available evidence is currently insufficient to determine the role of this variant in disease. Therefore, it has been classified as a Variant of Uncertain Significance. This variant has not been reported in the literature in individuals affected with CCDC88A-related conditions. This variant is not present in population databases (gnomAD no frequency). This sequence change replaces serine, which is neutral and polar, with cysteine, which is neutral and slightly polar, at codon 330 of the CCDC88A protein (p.Ser330Cys).

NM_001365480.1(CCDC88A):c.988A>T (p.Ser330Cys)

Gene: CCDC88A (coiled-coil and HOOK domain protein 88A; minus strand). Cytogenetic location: 2p16.1.
Variant type: single nucleotide variant.
Coding change: c.988A>T on transcript NM_001365480.1 (MANE Select); coding-DNA position 988, A replaced by T.
Protein change: p.Ser330Cys; replaces serine 330 with cysteine.
Molecular consequence: missense variant.
Genome position (GRCh38, 1-based): chr2:55,346,228, T>A on the plus strand (A>T on the coding strand, the complement: CCDC88A is on the minus strand). VCF-style: chr2-55346228-T-A. GRCh37 (hg19) VCF-style: chr2-55573364-T-A.
Other names: c.988A>T, p.Ser330Cys (NM_001135597.2, NM_001254943.2, NM_018084.5); short protein forms S330C.
Identifiers: ClinVar variation 1513548 (VCV001513548.6), dbSNP rs2104730025, ClinGen allele CA346906871.
Genomic context (GRCh38, chr2:55,346,228, plus strand): 5'-AACATACCTCAACTCTTGCCTTATAAAATTCAATATCATGTAGTCTCTCTTTATATCTGC[T>A]GACTTCACTTTCAAGCTTATCGACTCTGACTGCTTTCTCTCGAAGTGCATCTAATTCATC-3'
Protein context (NP_001352409.1, residues 320-340): VRVDKLESEV[Ser330Cys]RYKERLHDIE